The following is an entry in ClinVar:

NM_001080508.3(TBX18):c.824A>G (p.Lys275Arg)

Gene: TBX18 (T-box transcription factor 18; minus strand). Cytogenetic location: 6q14.3.
Variant type: single nucleotide variant.
Coding change: c.824A>G on transcript NM_001080508.3 (MANE Select); coding-DNA position 824, A replaced by G.
Protein change: p.Lys275Arg; replaces lysine 275 with arginine.
Molecular consequence: missense variant.
Genome position (GRCh38, 1-based): chr6:84,748,035, T>C on the plus strand (A>G on the coding strand, the complement: TBX18 is on the minus strand). VCF-style: chr6-84748035-T-C. GRCh37 (hg19) VCF-style: chr6-85457753-T-C.
Other names: short protein forms K275R.
Identifiers: ClinVar variation 3617511 (VCV003617511.2).

ClinVar aggregate classification (germline): Uncertain significance (1 of 4 stars; one submission).

gnomAD v4.1: 2 of 1,613,364 alleles (0.00012%); highest among the groups gnomAD compares: Admixed American, 0.0033%; no homozygotes.

Submission:

Labcorp Genetics (formerly Invitae), Labcorp
Classification: Uncertain significance. Last evaluated: 2024-07-07. Review status: criteria provided, single submitter. Criteria: Invitae Variant Classification Sherloc (09022015). Collection method: clinical testing. Allele origin: germline.
Comment: This sequence change replaces lysine, which is basic and polar, with arginine, which is basic and polar, at codon 275 of the TBX18 protein (p.Lys275Arg). This variant is present in population databases (no rsID available, gnomAD 0.003%). This variant has not been reported in the literature in individuals affected with TBX18-related conditions. Advanced modeling of protein sequence and biophysical properties (such as structural, functional, and spatial information, amino acid conservation, physicochemical variation, residue mobility, and thermodynamic stability) performed at Invitae indicates that this missense variant is not expected to disrupt TBX18 protein function with a negative predictive value of 80%. In summary, the available evidence is currently insufficient to determine the role of this variant in disease. Therefore, it has been classified as a Variant of Uncertain Significance.